The following is an entry in ClinVar:

ClinVar aggregate classification (germline): Pathogenic (1 of 4 stars; one submission).

Submission:

GeneDx
Classification: Pathogenic. Last evaluated: 2022-03-22. Review status: criteria provided, single submitter. Criteria: GeneDx Variant Classification Process June 2021. Collection method: clinical testing. Allele origin: germline. Affected: yes.
Comment: Located in the highly conserved Gly-X-Y repeat of the collagenous domain; Glycine substitution variants in this region of the COLVII protein destabilize the collagen triple helix resulting in skin fragility due to poor anchoring of the basement membrane to the underlying dermis (Pfendner and Lucky, 2018); A different missense change at this residue (p.(G2671V)) has been reported pathogenic in the published literature in association with RDEB (Kon et al., 1997; Almaani et al., 2011); Not observed at significant frequency in large population cohorts (gnomAD); In silico analysis supports that this missense variant has a deleterious effect on protein structure/function; Has not been previously published as pathogenic or benign to our knowledge; This variant is associated with the following publications: (PMID: 9008239, 21448560)

NM_000094.4(COL7A1):c.8012G>A (p.Gly2671Glu)

Gene: COL7A1 (collagen type VII alpha 1 chain; minus strand). Cytogenetic location: 3p21.31.
Variant type: single nucleotide variant.
Coding change: c.8012G>A on transcript NM_000094.4 (MANE Select); coding-DNA position 8012, G replaced by A.
Protein change: p.Gly2671Glu; replaces glycine 2671 with glutamic acid.
Molecular consequence: missense variant.
Genome position (GRCh38, 1-based): chr3:48,567,608, C>T on the plus strand (G>A on the coding strand, the complement: COL7A1 is on the minus strand). VCF-style: chr3-48567608-C-T. GRCh37 (hg19) VCF-style: chr3-48605041-C-T.
Other names: short protein forms G2671E.
Identifiers: ClinVar variation 265080 (VCV000265080.4), dbSNP rs886039329, ClinGen allele CA10588365.